The following is an entry in ClinVar:

ClinVar aggregate classification (germline): Conflicting classifications of pathogenicity. Review status: criteria provided, conflicting classifications (1 of 4 stars). 4 submissions from 4 submitters: Uncertain significance (1); Likely benign (3). Last evaluated 2026-01-12.

Conditions:
MEGF8-related disorder. Also called: MEGF8-related condition.
Inborn genetic diseases. Identifiers: MedGen C0950123, MeSH D030342.
MEGF8-related Carpenter syndrome. Also called: Carpenter syndrome 2. Identifiers: Orphanet 65759, MedGen C3554247, MONDO:0013998, OMIM 614976.

Allele frequency attached by ClinVar (database versions not stated): TOPMed 0.00041; ESP Exome Variant Server 0.00046.
gnomAD v4.1: 939 of 1,611,558 alleles (0.058%); highest among the groups gnomAD compares: Non-Finnish European, 0.075%; 2 homozygotes.

Submissions (4):

Labcorp Genetics (formerly Invitae), Labcorp
Classification: Likely benign for MEGF8-related Carpenter syndrome. Last evaluated: 2026-01-12. Review status: criteria provided, single submitter. Criteria: Invitae Variant Classification Sherloc (09022015). Collection method: clinical testing. Allele origin: germline.

PreventionGenetics, part of Exact Sciences
Classification: Likely benign for MEGF8-related condition. Last evaluated: 2025-11-24. Review status: criteria provided, single submitter. Criteria: ACMG Guidelines, 2015. Collection method: clinical testing. Allele origin: germline.
Comment: This variant is classified as likely benign based on ACMG/AMP sequence variant interpretation guidelines (Richards et al. 2015 PMID: 25741868, with internal and published modifications).

Ambry Genetics
Classification: Uncertain significance for Inborn genetic diseases. Last evaluated: 2021-09-16. Review status: criteria provided, single submitter. Criteria: Ambry Variant Classification Scheme 2023. Collection method: clinical testing. Allele origin: germline.

Breakthrough Genomics
Classification: Likely benign. Review status: criteria provided, single submitter. Criteria: ACMG Guidelines, 2015. Collection method: not provided. Allele origin: germline. Inheritance: Autosomal recessive inheritance. Affected: yes.

NM_001271938.2(MEGF8):c.5281C>G (p.Leu1761Val)

Gene: MEGF8 (multiple EGF like domains 8; plus strand). Cytogenetic location: 19q13.2.
Variant type: single nucleotide variant.
Coding change: c.5281C>G on transcript NM_001271938.2 (MANE Select); coding-DNA position 5281, C replaced by G.
Protein change: p.Leu1761Val; replaces leucine 1761 with valine.
Molecular consequence: missense variant.
Genome position (GRCh38, 1-based): chr19:42,358,892, C>G. VCF-style: chr19-42358892-C-G. GRCh37 (hg19) VCF-style: chr19-42863044-C-G.
Other names: c.5080C>G, p.Leu1694Val (NM_001410.3); short protein forms L1694V, L1761V.
Identifiers: ClinVar variation 473334 (VCV000473334.13), dbSNP rs150607375, ClinGen allele CA9475511.
Genomic context (GRCh38, chr19:42,358,892, plus strand): 5'-CAAGTTCCTGGGGAGCAGCCTGGGTCATGGGGGTTCCGGGAAGTCAGGAAGAAGATGGCT[C>G]TGTGGGCTGCTCTTGCTGGTACAGGAGGTTTCCTGGAGGAAATCTCACCTCACCTGAAGG-3'
Protein context (NP_001258867.1, residues 1751-1771): GFREVRKKMA[Leu1761Val]WAALAGTGGF